The following is an entry in ClinVar:

NM_000257.4(MYH7):c.733-9T>C

Gene: MYH7 (myosin heavy chain 7; minus strand). Cytogenetic location: 14q11.2.
Variant type: single nucleotide variant.
Coding change: c.733-9T>C on transcript NM_000257.4 (MANE Select); 9 bases into the intron before coding-DNA position 733, T replaced by C.
Molecular consequence: intron variant.
Genome position (GRCh38, 1-based): chr14:23,431,490, A>G on the plus strand (T>C on the coding strand, the complement: MYH7 is on the minus strand). VCF-style: chr14-23431490-A-G. GRCh37 (hg19) VCF-style: chr14-23900699-A-G.
Identifiers: ClinVar variation 504985 (VCV000504985.13), dbSNP rs944780538, ClinGen allele CA257825883.

ClinVar aggregate classification (germline): Likely benign. Review status: criteria provided, multiple submitters, no conflicts (2 of 4 stars). 4 submissions from 4 submitters: Likely benign (4). Last evaluated 2025-12-23.

Conditions:
Cardiomyopathy (CMYO). Also called: Cardiomyopathies. Identifiers: Orphanet 167848, MedGen C0878544, MONDO:0004994, HP:0001638. Inheritance: Various modes of inheritance.
Hypertrophic cardiomyopathy. Also called: HYPERTROPHIC MYOCARDIOPATHY. Identifiers: Orphanet 217569, MedGen C0007194, MeSH D002312, MONDO:0005045, HP:0001639.

Allele frequency attached by ClinVar (database versions not stated): gnomAD 0.00003; gnomAD exomes 0.00001; TOPMed 0.00002.
gnomAD v4.1: 8 of 1,614,002 alleles (0.0005%); highest among the groups gnomAD compares: African/African-American, 0.0013%; no homozygotes.

Submissions (4):

Labcorp Genetics (formerly Invitae), Labcorp
Classification: Likely benign for Hypertrophic cardiomyopathy. Last evaluated: 2025-12-23. Review status: criteria provided, single submitter. Criteria: Invitae Variant Classification Sherloc (09022015). Collection method: clinical testing. Allele origin: germline.

All of Us Research Program, National Institutes of Health
Classification: Likely benign for Cardiomyopathy. Last evaluated: 2023-11-02. Review status: criteria provided, single submitter. Criteria: ACMG Guidelines, 2015. Collection method: clinical testing. Allele origin: germline. Inheritance: Autosomal dominant inheritance. Observed: 4 variant alleles, 4 heterozygotes.
Comment: This study involves interpretation of variants in research participants for the purpose of population health screening. Participant phenotype was not available at the time of variant classification. Additional details can be found in publication PMID: 35346344, PMCID: PMC8962531

Color Diagnostics, LLC DBA Color Health
Classification: Likely benign for Cardiomyopathy. Last evaluated: 2022-10-25. Review status: criteria provided, single submitter. Criteria: ACMG Guidelines, 2015. Collection method: clinical testing. Allele origin: germline.

Laboratory for Molecular Medicine, Mass General Brigham Personalized Medicine
Classification: Likely benign. Last evaluated: 2016-05-06. Review status: criteria provided, single submitter. Criteria: LMM Criteria. Collection method: clinical testing. Allele origin: germline. Observed: 1 variant allele.
Comment: c.733-9T>C in intron 8 of MYH7: This variant is not expected to have clinical si gnificance because a T>C change at this position does not diverge from the splic e consensus sequence and is therefore unlikely to impact splicing.